The following is an entry in ClinVar:

ClinVar aggregate classification (germline): Uncertain significance (1 of 4 stars; one submission).

Conditions:
Hereditary cancer-predisposing syndrome. Also called: Neoplastic Syndromes, Hereditary; Tumor predisposition; Hereditary neoplastic syndrome; Hereditary Cancer Syndrome. Identifiers: Orphanet 140162, MedGen C0027672, MeSH D009386, MONDO:0015356.

Submission:

Ambry Genetics
Classification: Uncertain significance for Hereditary cancer-predisposing syndrome. Last evaluated: 2026-07-05. Review status: criteria provided, single submitter. Criteria: Ambry Variant Classification Scheme 2023. Collection method: clinical testing. Allele origin: germline.
Comment: The p.F814Y variant (also known as c.2441T>A), located in coding exon 15 of the APC gene, results from a T to A substitution at nucleotide position 2441. The phenylalanine at codon 814 is replaced by tyrosine, an amino acid with highly similar properties. This amino acid position is conserved. In addition, in silico predictors for this gene do not accurately predict pathogenicity. Based on the available evidence, the clinical significance of this variant remains unclear.

NM_000038.6(APC):c.2441T>A (p.Phe814Tyr)

Gene: APC (APC regulator of Wnt signaling pathway; plus strand). Cytogenetic location: 5q22.2.
Variant type: single nucleotide variant.
Coding change: c.2441T>A on transcript NM_000038.6 (MANE Select); coding-DNA position 2441, T replaced by A.
Protein change: p.Phe814Tyr; replaces phenylalanine 814 with tyrosine.
Molecular consequence: missense variant. On other transcripts: non-coding transcript variant (2).
Genome position (GRCh38, 1-based): chr5:112,838,035, T>A. VCF-style: chr5-112838035-T-A. GRCh37 (hg19) VCF-style: chr5-112173732-T-A.
Other names: c.2063T>A, p.Phe688Tyr (NM_001354904.2); c.1961T>A, p.Phe654Tyr (NM_001354905.2); c.1592T>A, p.Phe531Tyr (NM_001354906.2, NM_001407470.1); c.2525T>A, p.Phe842Tyr (NM_001407446.1); c.2495T>A, p.Phe832Tyr (NM_001407447.1, NM_001407448.1, NM_001407449.1 and 1 more transcripts); c.2441T>A, p.Phe814Tyr (NM_001407450.1, NM_001127510.3, NM_001354895.2); c.2420T>A, p.Phe807Tyr (NM_001407451.1); c.2411T>A, p.Phe804Tyr (NM_001407452.1); and 11 more; short protein forms F430Y, F531Y, F685Y, F786Y, F796Y, F804Y, F814Y, F688Y.
Identifiers: ClinVar variation 5024895 (VCV005024895.1).